The following is an entry in ClinVar:

ClinVar aggregate classification (germline): Uncertain significance (1 of 4 stars; one submission).

Submission:

GeneDx
Classification: Uncertain significance. Last evaluated: 2025-07-11. Review status: criteria provided, single submitter. Criteria: GeneDx Variant Classification Process June 2021. Collection method: clinical testing. Allele origin: germline. Affected: yes.
Comment: Not observed at significant frequency in large population cohorts (gnomAD); In silico analysis suggests that this missense variant does not alter protein structure/function; Has not been previously published as pathogenic or benign to our knowledge

NM_000503.6(EYA1):c.387G>C (p.Gln129His)

Gene: EYA1 (EYA transcriptional coactivator and phosphatase 1; minus strand). Cytogenetic location: 8q13.3.
Variant type: single nucleotide variant.
Coding change: c.387G>C on transcript NM_000503.6 (MANE Select); coding-DNA position 387, G replaced by C.
Protein change: p.Gln129His; replaces glutamine 129 with histidine.
Molecular consequence: missense variant.
Genome position (GRCh38, 1-based): chr8:71,321,765, C>G on the plus strand (G>C on the coding strand, the complement: EYA1 is on the minus strand). VCF-style: chr8-71321765-C-G. GRCh37 (hg19) VCF-style: chr8-72234000-C-G.
Other names: c.288G>C, p.Gln96His (NM_001411797.1, NM_172060.4); c.387G>C, p.Gln129His (NM_172058.4, NM_001370334.1, NM_001370335.1); c.474G>C, p.Gln158His (NM_172059.5, NM_001370333.1); c.384G>C, p.Gln128His (NM_001288574.2); c.36G>C, p.Gln12His (NM_001288575.2); c.471G>C, p.Gln157His (NM_001370336.1); short protein forms Q128H, Q129H, Q12H, Q157H, Q158H, Q96H.
Identifiers: ClinVar variation 4686213 (VCV004686213.1).